The following is an entry in ClinVar:

ClinVar aggregate classification (germline): Benign/Likely benign. Review status: criteria provided, multiple submitters, no conflicts (2 of 4 stars). 5 submissions from 5 submitters: Benign (2); Likely benign (2). 1 of the submissions does not count toward it. Last evaluated 2026-01-27.

Conditions:
Primary ciliary dyskinesia. Also called: Ciliary dyskinesia. Identifiers: Orphanet 244, MedGen C0008780, MONDO:0016575, HP:0012265.
Primary ciliary dyskinesia 3. Identifiers: Orphanet 244, MedGen C1837618, MONDO:0012085, OMIM 608644.
DNAH5-related disorder. Also called: DNAH5-related condition.

Allele frequency attached by ClinVar (database versions not stated): gnomAD below 0.00001 and 0.00077; TOPMed 0.00012; gnomAD exomes 0.00239; ExAC 0.00271; 1000 Genomes Project 30x 0.00547; 1000 Genomes Project 0.00599.
gnomAD v4.1: 1,799 of 1,613,762 alleles (0.11%); highest among the groups gnomAD compares: South Asian, 1.9%; 33 homozygotes.

Submissions (5):

Labcorp Genetics (formerly Invitae), Labcorp
Classification: Benign for Primary ciliary dyskinesia. Last evaluated: 2026-01-27. Review status: criteria provided, single submitter. Criteria: Invitae Variant Classification Sherloc (09022015). Collection method: clinical testing. Allele origin: germline.

GeneDx
Classification: Likely benign. Last evaluated: 2020-09-28. Review status: criteria provided, single submitter. Criteria: GeneDx Variant Classification Process June 2021. Collection method: clinical testing. Allele origin: germline. Affected: yes.
Comment: See Variant Classification Assertion Criteria.

Illumina Laboratory Services, Illumina
Classification: Likely benign for Primary ciliary dyskinesia 3. Last evaluated: 2018-01-13. Review status: criteria provided, single submitter. Criteria: ICSL Variant Classification Criteria 13 December 2019. Collection method: clinical testing. Allele origin: germline.
Comment: This variant was observed in the ICSL laboratory as part of a predisposition screen in an ostensibly healthy population. It had not been previously curated by ICSL or reported in the Human Gene Mutation Database (HGMD: prior to June 1st, 2018), and was therefore a candidate for classification through an automated scoring system. Utilizing variant allele frequency, disease prevalence and penetrance estimates, and inheritance mode, an automated score was calculated to assess if this variant is too frequent to cause the disease. Based on the score and internal cut-off values, a variant classified as likely benign is not then subjected to further curation. The score for this variant resulted in a classification of likely benign for this disease.

Ambry Genetics
Classification: Benign for Primary ciliary dyskinesia. Last evaluated: 2015-08-24. Review status: criteria provided, single submitter. Criteria: Ambry Variant Classification Scheme 2023. Collection method: clinical testing. Allele origin: germline.

PreventionGenetics, part of Exact Sciences
Classification: Benign for DNAH5-related condition. Last evaluated: 2019-07-04. Review status: no assertion criteria provided. Collection method: clinical testing. Allele origin: germline. Not counted in ClinVar's aggregate classification.
Comment: This variant is classified as benign based on ACMG/AMP sequence variant interpretation guidelines (Richards et al. 2015 PMID: 25741868, with internal and published modifications).

NM_001369.3(DNAH5):c.4807C>A (p.Pro1603Thr)

Genes: DNAH5 (dynein axonemal heavy chain 5; minus strand), LOC126807318 (MED14-independent group 3 enhancer GRCh37_chr5:13858976-13860175; plus strand). Cytogenetic location: 5p15.2.
Variant type: single nucleotide variant.
Coding change: c.4807C>A on transcript NM_001369.3 (MANE Select); coding-DNA position 4807, C replaced by A.
Protein change: p.Pro1603Thr; replaces proline 1603 with threonine.
Molecular consequence: missense variant.
Genome position (GRCh38, 1-based): chr5:13,859,595, G>T on the plus strand (C>A on the coding strand, the complement: DNAH5 is on the minus strand). VCF-style: chr5-13859595-G-T. GRCh37 (hg19) VCF-style: chr5-13859704-G-T.
Other names: short protein forms P1603T.
Identifiers: ClinVar variation 525557 (VCV000525557.20), dbSNP rs369137751, ClinGen allele CA3203868.